The following is an entry in ClinVar:

NM_001376.5(DYNC1H1):c.247A>G (p.Thr83Ala)

Gene: DYNC1H1 (dynein cytoplasmic 1 heavy chain 1; plus strand). Cytogenetic location: 14q32.31.
Variant type: single nucleotide variant.
Coding change: c.247A>G on transcript NM_001376.5 (MANE Select); coding-DNA position 247, A replaced by G.
Protein change: p.Thr83Ala; replaces threonine 83 with alanine.
Molecular consequence: missense variant.
Genome position (GRCh38, 1-based): chr14:101,964,938, A>G. VCF-style: chr14-101964938-A-G. GRCh37 (hg19) VCF-style: chr14-102431275-A-G.
Other names: short protein forms T83A.
Identifiers: ClinVar variation 4766227 (VCV004766227.1).

ClinVar aggregate classification (germline): Uncertain significance (1 of 4 stars; one submission).

Conditions:
Charcot-Marie-Tooth disease axonal type 2O. Also called: CHARCOT-MARIE-TOOTH NEUROPATHY, AXONAL, TYPE 2O; CHARCOT-MARIE-TOOTH DISEASE, AXONAL, AUTOSOMAL DOMINANT, TYPE 2O; Charcot-Marie-Tooth Neuropathy Type 2O; Charcot-Marie-Tooth disease, axonal, type 20. Identifiers: Orphanet 284232, MedGen C3280220, MONDO:0013644, OMIM 614228.

gnomAD v4.1: 1 of 1,597,842 alleles (0.000063%); highest among the groups gnomAD compares: South Asian, 0.0011%; no homozygotes.

Submission:

Labcorp Genetics (formerly Invitae), Labcorp
Classification: Uncertain significance for Charcot-Marie-Tooth disease axonal type 2O. Last evaluated: 2025-04-25. Review status: criteria provided, single submitter. Criteria: Invitae Variant Classification Sherloc (09022015). Collection method: clinical testing. Allele origin: germline.
Comment: This sequence change replaces threonine, which is neutral and polar, with alanine, which is neutral and non-polar, at codon 83 of the DYNC1H1 protein (p.Thr83Ala). This variant is not present in population databases (gnomAD no frequency). This variant has not been reported in the literature in individuals affected with DYNC1H1-related conditions. Invitae Evidence Modeling of protein sequence and biophysical properties (such as structural, functional, and spatial information, amino acid conservation, physicochemical variation, residue mobility, and thermodynamic stability) indicates that this missense variant is not expected to disrupt DYNC1H1 protein function with a negative predictive value of 95%. In summary, the available evidence is currently insufficient to determine the role of this variant in disease. Therefore, it has been classified as a Variant of Uncertain Significance.